The following is an entry in ClinVar:

ClinVar aggregate classification (germline): Likely benign. Review status: criteria provided, multiple submitters, no conflicts (2 of 4 stars). 2 submissions from 2 submitters: Likely benign (2). Last evaluated 2024-10-01.

Conditions:
Spastic paraplegia. Identifiers: MedGen C0037772, HP:0001258.

Allele frequency attached by ClinVar (database versions not stated): gnomAD 0.00001; gnomAD exomes 0.00001 and 0.00002; TOPMed 0.00002; ExAC 0.00003.
gnomAD v4.1: 26 of 1,613,018 alleles (0.0016%); highest among the groups gnomAD compares: Non-Finnish European, 0.00051%; no homozygotes.

Submissions (2):

CeGaT Center for Human Genetics Tuebingen
Classification: Likely benign. Last evaluated: 2024-10-01. Review status: criteria provided, single submitter. Criteria: CeGaT Center For Human Genetics Tuebingen Variant Classification Criteria Version 2. Collection method: clinical testing. Allele origin: germline. Affected: yes. Observed: 1 variant allele.
Comment: ERLIN2: BP4, BP7

Labcorp Genetics (formerly Invitae), Labcorp
Classification: Likely benign for Spastic paraplegia. Last evaluated: 2024-03-03. Review status: criteria provided, single submitter. Criteria: Invitae Variant Classification Sherloc (09022015). Collection method: clinical testing. Allele origin: germline.

NM_007175.8(ERLIN2):c.144T>C (p.Gly48=)

Gene: ERLIN2 (ER lipid raft associated 2; plus strand). Cytogenetic location: 8p11.23.
Variant type: single nucleotide variant.
Coding change: c.144T>C on transcript NM_007175.8 (MANE Select); coding-DNA position 144, T replaced by C.
Protein change: p.Gly48=; no amino-acid change (glycine 48 retained).
Molecular consequence: synonymous variant.
Genome position (GRCh38, 1-based): chr8:37,740,401, T>C. VCF-style: chr8-37740401-T-C. GRCh37 (hg19) VCF-style: chr8-37597919-T-C.
Other names: c.144T>C, p.Gly48= (NM_001003790.4, NM_001003791.3, NM_001362878.2 and 1 more transcripts).
Identifiers: ClinVar variation 701612 (VCV000701612.22), dbSNP rs769021055, ClinGen allele CA4710622.